The following is an entry in ClinVar:

ClinVar aggregate classification (germline): Likely benign. Review status: criteria provided, multiple submitters, no conflicts (2 of 4 stars). 2 submissions from 2 submitters: Likely benign (2). Last evaluated 2025-11-01.

Conditions:
Hereditary cancer-predisposing syndrome. Also called: Neoplastic Syndromes, Hereditary; Tumor predisposition; Hereditary Cancer Syndrome; Hereditary neoplastic syndrome. Identifiers: Orphanet 140162, MedGen C0027672, MeSH D009386, MONDO:0015356.

Submissions (2):

CeGaT Center for Human Genetics Tuebingen
Classification: Likely benign. Last evaluated: 2025-11-01. Review status: criteria provided, single submitter. Criteria: CeGaT Center For Human Genetics Tuebingen Variant Classification Criteria Version 2. Collection method: clinical testing. Allele origin: germline. Affected: yes. Observed: 1 variant allele.
Comment: GREM1: PM2:Supporting, BP4, BP7

Ambry Genetics
Classification: Likely benign for Hereditary cancer-predisposing syndrome. Last evaluated: 2024-03-18. Review status: criteria provided, single submitter. Criteria: Ambry Variant Classification Scheme 2023. Collection method: clinical testing. Allele origin: germline.

NM_013372.7(GREM1):c.294G>T (p.Pro98=)

Gene: GREM1 (gremlin 1, DAN family BMP antagonist; plus strand). Cytogenetic location: 15q13.3.
Variant type: single nucleotide variant.
Coding change: c.294G>T on transcript NM_013372.7 (MANE Select); coding-DNA position 294, G replaced by T.
Protein change: p.Pro98=; no amino-acid change (proline 98 retained).
Molecular consequence: synonymous variant.
Genome position (GRCh38, 1-based): chr15:32,730,984, G>T. VCF-style: chr15-32730984-G-T. GRCh37 (hg19) VCF-style: chr15-33023185-G-T.
Other names: c.84G>T, p.Pro28= (NM_001191322.2); c.171G>T, p.Pro57= (NM_001191323.2); c.294G>T, p.Pro98= (NM_001368719.1).
Identifiers: ClinVar variation 3282657 (VCV003282657.7).
Genomic context (GRCh38, chr15:32,730,984, plus strand): 5'-AGAGGCCCTGCATGTGACGGAGCGCAAATACCTGAAGCGAGACTGGTGCAAAACCCAGCC[G>T]CTTAAGCAGACCATCCACGAGGAAGGCTGCAACAGTCGCACCATCATCAACCGCTTCTGT-3'
Protein context (NP_037504.1, residues 88-108): YLKRDWCKTQ[Pro98=]LKQTIHEEGC